The following is an entry in ClinVar:

NM_003809.3(TNFSF12):c.190G>A (p.Glu64Lys)

Genes: TNFSF12 (TNF superfamily member 12; plus strand), TNFSF12-TNFSF13 (TNFSF12-TNFSF13 readthrough; plus strand). Cytogenetic location: 17p13.1.
Variant type: single nucleotide variant.
Coding change: c.190G>A on transcript NM_003809.3 (MANE Select); coding-DNA position 190, G replaced by A.
Protein change: p.Glu64Lys; replaces glutamic acid 64 with lysine.
Molecular consequence: missense variant. On other transcripts: non-coding transcript variant (1).
Genome position (GRCh38, 1-based): chr17:7,549,504, G>A. VCF-style: chr17-7549504-G-A. GRCh37 (hg19) VCF-style: chr17-7452821-G-A.
Other names: c.190G>A, p.Glu64Lys (NM_172089.4); short protein forms E64K.
Identifiers: ClinVar variation 2895299 (VCV002895299.3), dbSNP rs758090917, ClinGen allele CA8350709.

ClinVar aggregate classification (germline): Uncertain significance (1 of 4 stars; one submission).

Conditions:
Common variable immunodeficiency (CVID). Also called: Common variable hypogamma-globulinemia; Common variable agammaglobulinemia. Identifiers: Orphanet 1572, MedGen C0009447, MONDO:0015517.

Allele frequency attached by ClinVar (database versions not stated): ExAC 0.00005; gnomAD 0.00001; TOPMed 0.00001; gnomAD exomes 0.00002.
gnomAD v4.1: 30 of 1,551,808 alleles (0.0019%); highest among the groups gnomAD compares: East Asian, 0.0071%; no homozygotes.

Submission:

Labcorp Genetics (formerly Invitae), Labcorp
Classification: Uncertain significance for Common variable immunodeficiency. Last evaluated: 2026-01-24. Review status: criteria provided, single submitter. Criteria: Invitae Variant Classification Sherloc (09022015). Collection method: clinical testing. Allele origin: germline.
Comment: This sequence change replaces glutamic acid, which is acidic and polar, with lysine, which is basic and polar, at codon 64 of the TNFSF12 protein (p.Glu64Lys). This variant is present in population databases (rs758090917, gnomAD 0.008%). This variant has not been reported in the literature in individuals affected with TNFSF12-related conditions. ClinVar contains an entry for this variant (Variation ID: 2895299). An algorithm developed to predict the effect of missense changes on protein structure and function (PolyPhen-2) suggests that this variant is likely to be disruptive. In summary, the available evidence is currently insufficient to determine the role of this variant in disease. Therefore, it has been classified as a Variant of Uncertain Significance.